The following is an entry in ClinVar:

ClinVar aggregate classification (germline): Conflicting classifications of pathogenicity. Review status: criteria provided, conflicting classifications (1 of 4 stars). 2 submissions from 2 submitters: Uncertain significance (1); Likely benign (1). Last evaluated 2025-07-14.

Conditions:
Anophthalmia/microphthalmia-esophageal atresia syndrome (MCOPS3). Also called: AEG SYNDROME; SOX2 Disorder; MICROPHTHALMIA AND ESOPHAGEAL ATRESIA SYNDROME. Identifiers: Orphanet 77298, MedGen C1859773, MONDO:0008799, OMIM 206900.

Submissions (2):

Labcorp Genetics (formerly Invitae), Labcorp
Classification: Likely benign for Anophthalmia/microphthalmia-esophageal atresia syndrome. Last evaluated: 2025-07-14. Review status: criteria provided, single submitter. Criteria: Invitae Variant Classification Sherloc (09022015). Collection method: clinical testing. Allele origin: germline.

GeneDx
Classification: Uncertain significance. Last evaluated: 2023-10-16. Review status: criteria provided, single submitter. Criteria: GeneDx Variant Classification Process June 2021. Collection method: clinical testing. Allele origin: germline.
Comment: Has not been previously published as pathogenic or benign to our knowledge; In silico analysis supports a deleterious effect on protein structure/function

NM_003106.4(SOX2):c.52_53delinsAA (p.Ser18Lys)

Genes: SOX2 (SRY-box transcription factor 2; plus strand), SOX2-OT (SOX2 overlapping transcript; plus strand), LOC108281177 (SOX2 5' regulatory region; plus strand). Cytogenetic location: 3q26.33.
Variant type: Indel.
Coding change: c.52_53delinsAA on transcript NM_003106.4 (MANE Select); coding-DNA positions 52 to 53, TC replaced by AA.
Protein change: p.Ser18Lys; replaces serine 18 with lysine.
Molecular consequence: missense variant.
Genome position (GRCh38, 1-based): chr3:181,712,412-181,712,413, TC replaced by AA. VCF-style: chr3-181712412-TC-AA. GRCh37 (hg19) VCF-style: chr3-181430200-TC-AA.
Other names: c.52_53delinsAA (NM_003106.3); short protein forms S18K.
Identifiers: ClinVar variation 1913933 (VCV001913933.7), dbSNP rs2473716820, ClinGen allele CA2580069106.
Genomic context (GRCh38, chr3:181,712,412, plus strand): 5'-AGCGCCCGCATGTACAACATGATGGAGACGGAGCTGAAGCCGCCGGGCCCGCAGCAAACT[TC>AA]GGGGGGCGGCGGCGGCAACTCCACCGCGGCGGCGGCCGGCGGCAACCAGAAAAACAGCCC-3'
Protein context (NP_003097.1, residues 8-28): ELKPPGPQQT[Ser18Lys]GGGGGNSTAA